The following is an entry in ClinVar:

NM_004963.4(GUCY2C):c.1192G>A (p.Asp398Asn)

Genes: GUCY2C (guanylate cyclase 2C; minus strand), GUCY2C-AS1 (GUCY2C antisense RNA 1; plus strand). Cytogenetic location: 12p12.3.
Variant type: single nucleotide variant.
Coding change: c.1192G>A on transcript NM_004963.4 (MANE Select); coding-DNA position 1192, G replaced by A.
Protein change: p.Asp398Asn; replaces aspartic acid 398 with asparagine.
Molecular consequence: missense variant.
Genome position (GRCh38, 1-based): chr12:14,669,812, C>T on the plus strand (G>A on the coding strand, the complement: GUCY2C is on the minus strand). VCF-style: chr12-14669812-C-T. GRCh37 (hg19) VCF-style: chr12-14822746-C-T.
Other names: short protein forms D398N.
Identifiers: ClinVar variation 1350878 (VCV001350878.6), dbSNP rs763149334, ClinGen allele CA6463501.

ClinVar aggregate classification (germline): Uncertain significance (1 of 4 stars; one submission).

Allele frequency attached by ClinVar (database versions not stated): gnomAD exomes below 0.00001 and 0.00001; ExAC 0.00001.
gnomAD v4.1: 2 of 1,580,966 alleles (0.00013%); highest among the groups gnomAD compares: East Asian, 0.0045%; no homozygotes.

Submission:

Labcorp Genetics (formerly Invitae), Labcorp
Classification: Uncertain significance. Last evaluated: 2024-02-24. Review status: criteria provided, single submitter. Criteria: Invitae Variant Classification Sherloc (09022015). Collection method: clinical testing. Allele origin: germline.
Comment: This sequence change replaces aspartic acid, which is acidic and polar, with asparagine, which is neutral and polar, at codon 398 of the GUCY2C protein (p.Asp398Asn). This variant is present in population databases (rs763149334, gnomAD 0.01%). This variant has not been reported in the literature in individuals affected with GUCY2C-related conditions. ClinVar contains an entry for this variant (Variation ID: 1350878). Advanced modeling of protein sequence and biophysical properties (such as structural, functional, and spatial information, amino acid conservation, physicochemical variation, residue mobility, and thermodynamic stability) performed at Invitae indicates that this missense variant is not expected to disrupt GUCY2C protein function with a negative predictive value of 80%. In summary, the available evidence is currently insufficient to determine the role of this variant in disease. Therefore, it has been classified as a Variant of Uncertain Significance.